The following is an entry in ClinVar:

ClinVar aggregate classification (germline): Uncertain significance. Review status: criteria provided, multiple submitters, no conflicts (2 of 4 stars). 2 submissions from 2 submitters: Uncertain significance (2). Last evaluated 2023-09-29.

Conditions:
Charcot-Marie-Tooth disease type 4. Also called: Charcot-Marie-Tooth disease, type IV; Charcot-Marie-Tooth, Type 4. Identifiers: Orphanet 64749, MedGen C4082197, MONDO:0018995.

Allele frequency attached by ClinVar (database versions not stated): ExAC 0.00001; gnomAD exomes 0.00001; gnomAD 0.00002; TOPMed 0.00003; 1000 Genomes Project 30x 0.00016; 1000 Genomes Project 0.00020.
gnomAD v4.1: 15 of 1,614,190 alleles (0.00093%); highest among the groups gnomAD compares: Middle Eastern, 0.017%; no homozygotes.

Submissions (2):

Labcorp Genetics (formerly Invitae), Labcorp
Classification: Uncertain significance for Charcot-Marie-Tooth disease type 4. Last evaluated: 2023-09-29. Review status: criteria provided, single submitter. Criteria: Invitae Variant Classification Sherloc (09022015). Collection method: clinical testing. Allele origin: germline.
Comment: ClinVar contains an entry for this variant (Variation ID: 2197256). In summary, the available evidence is currently insufficient to determine the role of this variant in disease. Therefore, it has been classified as a Variant of Uncertain Significance. Advanced modeling of protein sequence and biophysical properties (such as structural, functional, and spatial information, amino acid conservation, physicochemical variation, residue mobility, and thermodynamic stability) performed at Invitae indicates that this missense variant is not expected to disrupt SH3TC2 protein function. This variant has not been reported in the literature in individuals affected with SH3TC2-related conditions. This variant is present in population databases (rs567467816, gnomAD 0.007%). This sequence change replaces glutamic acid, which is acidic and polar, with lysine, which is basic and polar, at codon 1140 of the SH3TC2 protein (p.Glu1140Lys).

GeneDx
Classification: Uncertain significance. Last evaluated: 2022-10-25. Review status: criteria provided, single submitter. Criteria: GeneDx Variant Classification Process June 2021. Collection method: clinical testing. Allele origin: germline. Affected: yes.
Comment: Not observed at significant frequency in large population cohorts (gnomAD); In silico analysis supports that this missense variant does not alter protein structure/function; Has not been previously published as pathogenic or benign to our knowledge

NM_024577.4(SH3TC2):c.3418G>A (p.Glu1140Lys)

Gene: SH3TC2 (SH3 domain and tetratricopeptide repeats 2; minus strand). Cytogenetic location: 5q32.
Variant type: single nucleotide variant.
Coding change: c.3418G>A on transcript NM_024577.4 (MANE Select); coding-DNA position 3418, G replaced by A.
Protein change: p.Glu1140Lys; replaces glutamic acid 1140 with lysine.
Molecular consequence: missense variant.
Genome position (GRCh38, 1-based): chr5:149,008,911, C>T on the plus strand (G>A on the coding strand, the complement: SH3TC2 is on the minus strand). VCF-style: chr5-149008911-C-T. GRCh37 (hg19) VCF-style: chr5-148388474-C-T.
Other names: short protein forms E1140K.
Identifiers: ClinVar variation 2197256 (VCV002197256.4), dbSNP rs567467816, ClinGen allele CA3498749.